The following is an entry in ClinVar:

ClinVar aggregate classification (germline): Uncertain significance (1 of 4 stars; one submission).

Allele frequency attached by ClinVar (database versions not stated): gnomAD exomes below 0.00001.
gnomAD v4.1: 1 of 1,614,172 alleles (0.000062%); highest among the groups gnomAD compares: East Asian, 0.0022%; no homozygotes.

Submission:

Labcorp Genetics (formerly Invitae), Labcorp
Classification: Uncertain significance. Last evaluated: 2022-02-04. Review status: criteria provided, single submitter. Criteria: Invitae Variant Classification Sherloc (09022015). Collection method: clinical testing. Allele origin: germline.
Comment: This variant is not present in population databases (gnomAD no frequency). This variant has not been reported in the literature in individuals affected with MYO5B-related conditions. This sequence change replaces isoleucine, which is neutral and non-polar, with valine, which is neutral and non-polar, at codon 159 of the MYO5B protein (p.Ile159Val). In summary, the available evidence is currently insufficient to determine the role of this variant in disease. Therefore, it has been classified as a Variant of Uncertain Significance. Algorithms developed to predict the effect of missense changes on protein structure and function are either unavailable or do not agree on the potential impact of this missense change (SIFT: "Deleterious"; PolyPhen-2: "Possibly Damaging"; Align-GVGD: "Class C0").

NM_001080467.3(MYO5B):c.475A>G (p.Ile159Val)

Gene: MYO5B (myosin VB; minus strand). Cytogenetic location: 18q21.1.
Variant type: single nucleotide variant.
Coding change: c.475A>G on transcript NM_001080467.3 (MANE Select); coding-DNA position 475, A replaced by G.
Protein change: p.Ile159Val; replaces isoleucine 159 with valine.
Molecular consequence: missense variant.
Genome position (GRCh38, 1-based): chr18:50,001,392, T>C on the plus strand (A>G on the coding strand, the complement: MYO5B is on the minus strand). VCF-style: chr18-50001392-T-C. GRCh37 (hg19) VCF-style: chr18-47527762-T-C.
Other names: short protein forms I159V.
Identifiers: ClinVar variation 2188027 (VCV002188027.2), dbSNP rs2026045623, ClinGen allele CA402440043.